The following is an entry in ClinVar:

ClinVar aggregate classification (germline): Uncertain significance (1 of 4 stars; one submission).

Submission:

GeneDx
Classification: Uncertain significance. Last evaluated: 2023-05-21. Review status: criteria provided, single submitter. Criteria: GeneDx Variant Classification Process June 2021. Collection method: clinical testing. Allele origin: germline. Affected: yes.
Comment: Not observed at significant frequency in large population cohorts (gnomAD); In silico analysis supports that this missense variant does not alter protein structure/function; Has not been previously published as pathogenic or benign to our knowledge

NM_080632.3(UPF3B):c.893G>C (p.Arg298Thr)

Gene: UPF3B (UPF3B regulator of nonsense mediated mRNA decay; minus strand). Cytogenetic location: Xq24.
Variant type: single nucleotide variant.
Coding change: c.893G>C on transcript NM_080632.3 (MANE Select); coding-DNA position 893, G replaced by C.
Protein change: p.Arg298Thr; replaces arginine 298 with threonine.
Molecular consequence: missense variant.
Genome position (GRCh38, 1-based): chrX:119,838,481, C>G on the plus strand (G>C on the coding strand, the complement: UPF3B is on the minus strand). VCF-style: chrX-119838481-C-G. GRCh37 (hg19) VCF-style: chrX-118972444-C-G.
Other names: c.854G>C, p.Arg285Thr (NM_023010.4); short protein forms R285T, R298T.
Identifiers: ClinVar variation 3343781 (VCV003343781.1).